The following is an entry in ClinVar:

NM_018051.5(DYNC2I1):c.176A>G (p.Asp59Gly)

Gene: DYNC2I1 (dynein 2 intermediate chain 1; plus strand). Cytogenetic location: 7q36.3.
Variant type: single nucleotide variant.
Coding change: c.176A>G on transcript NM_018051.5 (MANE Select); coding-DNA position 176, A replaced by G.
Protein change: p.Asp59Gly; replaces aspartic acid 59 with glycine.
Molecular consequence: missense variant. On other transcripts: 5 prime UTR variant (4).
Genome position (GRCh38, 1-based): chr7:158,871,248, A>G. VCF-style: chr7-158871248-A-G. GRCh37 (hg19) VCF-style: chr7-158663939-A-G.
Other names: c.38A>G, p.Asp13Gly (NM_001350914.2); c.-342A>G (NM_001350915.2); c.-1183A>G (NM_001350916.2); c.-1191A>G (NM_001350917.2); c.-1310A>G (NM_001350918.2); short protein forms D59G, D13G.
Identifiers: ClinVar variation 971782 (VCV000971782.7), dbSNP rs187908946, ClinGen allele CA4594262.

ClinVar aggregate classification (germline): Uncertain significance. Review status: criteria provided, multiple submitters, no conflicts (2 of 4 stars). 3 submissions from 3 submitters: Uncertain significance (2). 1 of the submissions does not count toward it. Last evaluated 2025-08-30.

Conditions:
Short-rib thoracic dysplasia 8 with or without polydactyly (SRTD8). Also called: SHORT-RIB THORACIC DYSPLASIA 8 WITH POLYDACTYLY. Identifiers: Orphanet 93271, MedGen C3809691, MONDO:0014214, OMIM 615503.
Inborn genetic diseases. Identifiers: MedGen C0950123, MeSH D030342.
DYNC2I1-related disorder. Also called: DYNC2I1-related condition.

Allele frequency attached by ClinVar (database versions not stated): ESP Exome Variant Server 0.00136; gnomAD exomes 0.00156 and 0.00078; 1000 Genomes Project 30x 0.00078; 1000 Genomes Project 0.00080; TOPMed 0.00095; gnomAD 0.00098 and 0.00099; ExAC 0.00102.
gnomAD v4.1: 2,365 of 1,610,832 alleles (0.15%); highest among the groups gnomAD compares: Non-Finnish European, 0.19%; 3 homozygotes.

Submissions (3):

Ambry Genetics
Classification: Uncertain significance for Inborn genetic diseases. Last evaluated: 2025-08-30. Review status: criteria provided, single submitter. Criteria: Ambry Variant Classification Scheme 2023. Collection method: clinical testing. Allele origin: germline.

Labcorp Genetics (formerly Invitae), Labcorp
Classification: Uncertain significance for Short-rib thoracic dysplasia 8 with or without polydactyly. Last evaluated: 2025-02-03. Review status: criteria provided, single submitter. Criteria: Invitae Variant Classification Sherloc (09022015). Collection method: clinical testing. Allele origin: germline.
Comment: This sequence change replaces aspartic acid, which is acidic and polar, with glycine, which is neutral and non-polar, at codon 59 of the WDR60 protein (p.Asp59Gly). This variant is present in population databases (rs187908946, gnomAD 0.2%), and has an allele count higher than expected for a pathogenic variant. This variant has not been reported in the literature in individuals affected with WDR60-related conditions. ClinVar contains an entry for this variant (Variation ID: 971782). An algorithm developed to predict the effect of missense changes on protein structure and function (PolyPhen-2) suggests that this variant is likely to be disruptive. In summary, the available evidence is currently insufficient to determine the role of this variant in disease. Therefore, it has been classified as a Variant of Uncertain Significance.

PreventionGenetics, part of Exact Sciences
Classification: Likely benign for DYNC2I1-related condition. Last evaluated: 2024-07-22. Review status: no assertion criteria provided. Collection method: clinical testing. Allele origin: germline. Not counted in ClinVar's aggregate classification.
Comment: This variant is classified as likely benign based on ACMG/AMP sequence variant interpretation guidelines (Richards et al. 2015 PMID: 25741868, with internal and published modifications).